The following is an entry in ClinVar:

NM_000321.3(RB1):c.573A>G (p.Leu191=)

Gene: RB1 (RB transcriptional corepressor 1; plus strand). Cytogenetic location: 13q14.2.
Variant type: single nucleotide variant.
Coding change: c.573A>G on transcript NM_000321.3 (MANE Select); coding-DNA position 573, A replaced by G.
Protein change: p.Leu191=; no amino-acid change (leucine 191 retained).
Molecular consequence: synonymous variant.
Genome position (GRCh38, 1-based): chr13:48,348,989, A>G. VCF-style: chr13-48348989-A-G. GRCh37 (hg19) VCF-style: chr13-48923125-A-G.
Other names: c.573A>G, p.Leu191= (NM_001407165.1, NM_001407166.1).
Identifiers: ClinVar variation 4876081 (VCV004876081.1).

ClinVar aggregate classification (germline): Benign (1 of 4 stars; one submission).

Conditions:
Retinoblastoma (RB1). Also called: RETINOBLASTOMA, SOMATIC. Identifiers: Orphanet 790, MedGen C0035335, MeSH D012175, MONDO:0008380, OMIM 180200, HP:0009919. Disease mechanism: loss of function. Inheritance: Both sporadic and heritable forms are tested..

Submission:

Myriad Genetics, Inc.
Classification: Benign for Retinoblastoma. Last evaluated: 2026-06-23. Review status: criteria provided, single submitter. Criteria: Myriad Autosomal Dominant, Autosomal Recessive and X-Linked Classification Criteria (2023). Collection method: clinical testing. Allele origin: unknown.
Comment: This variant is considered benign. This variant is a silent/synonymous amino acid change and it is not expected to impact splicing.